The following is an entry in ClinVar:

NM_032578.4(MYPN):c.3764T>G (p.Val1255Gly)

Gene: MYPN (myopalladin; plus strand). Cytogenetic location: 10q21.3.
Variant type: single nucleotide variant.
Coding change: c.3764T>G on transcript NM_032578.4 (MANE Select); coding-DNA position 3764, T replaced by G.
Protein change: p.Val1255Gly; replaces valine 1255 with glycine.
Molecular consequence: missense variant. On other transcripts: non-coding transcript variant (2).
Genome position (GRCh38, 1-based): chr10:68,206,874, T>G. VCF-style: chr10-68206874-T-G. GRCh37 (hg19) VCF-style: chr10-69966631-T-G.
Other names: c.3764T>G (NM_032578.2); c.3764T>G, p.Val1255Gly (NM_001256267.2); c.2882T>G, p.Val961Gly (NM_001256268.2); short protein forms V961G, V1255G.
Identifiers: ClinVar variation 2107705 (VCV002107705.6), dbSNP rs2496023489, ClinGen allele CA376829051.

ClinVar aggregate classification (germline): Uncertain significance. Review status: criteria provided, multiple submitters, no conflicts (2 of 4 stars). 3 submissions from 3 submitters: Uncertain significance (3). Last evaluated 2026-02-13.

Conditions:
Dilated cardiomyopathy 1KK (CMD1KK). Identifiers: Orphanet 154, Orphanet 75249, MedGen C3714995, MONDO:0014100, OMIM 615248.
Cardiovascular phenotype. Identifiers: MedGen CN230736.

Allele frequency attached by ClinVar (database versions not stated): gnomAD exomes below 0.00001.
gnomAD v4.1: 4 of 1,614,224 alleles (0.00025%); highest among the groups gnomAD compares: Non-Finnish European, 0.00034%; no homozygotes.

Submissions (3):

Ambry Genetics
Classification: Uncertain significance for Cardiovascular phenotype. Last evaluated: 2026-02-13. Review status: criteria provided, single submitter. Criteria: Ambry Variant Classification Scheme 2023. Collection method: clinical testing. Allele origin: germline.
Comment: The p.V1255G variant (also known as c.3764T>G), located in coding exon 18 of the MYPN gene, results from a T to G substitution at nucleotide position 3764. The valine at codon 1255 is replaced by glycine, an amino acid with dissimilar properties. This amino acid position is conserved. In addition, this alteration is predicted to be deleterious by in silico analysis. Based on the available evidence, the clinical significance of this variant remains unclear.

Revvity Omics, Revvity
Classification: Uncertain significance. Last evaluated: 2024-06-13. Review status: criteria provided, single submitter. Criteria: ACMG Guidelines, 2015. Collection method: clinical testing. Allele origin: germline.

Labcorp Genetics (formerly Invitae), Labcorp
Classification: Uncertain significance for Dilated cardiomyopathy 1KK. Last evaluated: 2022-08-01. Review status: criteria provided, single submitter. Criteria: Invitae Variant Classification Sherloc (09022015). Collection method: clinical testing. Allele origin: germline.
Comment: This sequence change replaces valine, which is neutral and non-polar, with glycine, which is neutral and non-polar, at codon 1255 of the MYPN protein (p.Val1255Gly). This variant is not present in population databases (gnomAD no frequency). This variant has not been reported in the literature in individuals affected with MYPN-related conditions. Algorithms developed to predict the effect of missense changes on protein structure and function are either unavailable or do not agree on the potential impact of this missense change (SIFT: "Deleterious"; PolyPhen-2: "Probably Damaging"; Align-GVGD: "Class C0"). In summary, the available evidence is currently insufficient to determine the role of this variant in disease. Therefore, it has been classified as a Variant of Uncertain Significance.